The following is an entry in ClinVar:

NM_004168.4(SDHA):c.158C>G (p.Ala53Gly)

Gene: SDHA (succinate dehydrogenase complex flavoprotein subunit A; plus strand). Cytogenetic location: 5p15.33.
Variant type: single nucleotide variant.
Coding change: c.158C>G on transcript NM_004168.4 (MANE Select); coding-DNA position 158, C replaced by G.
Protein change: p.Ala53Gly; replaces alanine 53 with glycine.
Molecular consequence: missense variant.
Genome position (GRCh38, 1-based): chr5:224,367, C>G. VCF-style: chr5-224367-C-G. GRCh37 (hg19) VCF-style: chr5-224482-C-G.
Other names: c.158C>G, p.Ala53Gly (NM_001294332.2, NM_001330758.2); short protein forms A53G.
Identifiers: ClinVar variation 2949586 (VCV002949586.3), dbSNP rs2477285280, ClinGen allele CA359008382.

ClinVar aggregate classification (germline): Uncertain significance (1 of 4 stars; one submission).

Conditions:
Mitochondrial complex II deficiency, nuclear type 1. Also called: SUCCINATE CoQ REDUCTASE DEFICIENCY. Identifiers: Orphanet 3208, MedGen C5700310, MONDO:0100294, OMIM 252011.
Pheochromocytoma/paraganglioma syndrome 5. Also called: Paragangliomas 5; SDHA-Related Hereditary Paraganglioma-Pheochromocytoma Syndrome. Identifiers: Orphanet 29072, MedGen C3279992, MONDO:0013602, OMIM 614165.

Submission:

Labcorp Genetics (formerly Invitae), Labcorp
Classification: Uncertain significance for Pheochromocytoma/paraganglioma syndrome 5; Mitochondrial complex II deficiency, nuclear type 1. Last evaluated: 2023-07-06. Review status: criteria provided, single submitter. Criteria: Invitae Variant Classification Sherloc (09022015). Collection method: clinical testing. Allele origin: germline.
Comment: Advanced modeling of protein sequence and biophysical properties (such as structural, functional, and spatial information, amino acid conservation, physicochemical variation, residue mobility, and thermodynamic stability) performed at Invitae indicates that this missense variant is not expected to disrupt SDHA protein function. In summary, the available evidence is currently insufficient to determine the role of this variant in disease. Therefore, it has been classified as a Variant of Uncertain Significance. This variant has not been reported in the literature in individuals affected with SDHA-related conditions. This sequence change replaces alanine, which is neutral and non-polar, with glycine, which is neutral and non-polar, at codon 53 of the SDHA protein (p.Ala53Gly). This variant is not present in population databases (gnomAD no frequency).